The following is an entry in ClinVar:

NM_014339.7(IL17RA):c.2471C>T (p.Pro824Leu)

Gene: IL17RA (interleukin 17 receptor A; plus strand). Cytogenetic location: 22q11.1.
Variant type: single nucleotide variant.
Coding change: c.2471C>T on transcript NM_014339.7 (MANE Select); coding-DNA position 2471, C replaced by T.
Protein change: p.Pro824Leu; replaces proline 824 with leucine.
Molecular consequence: missense variant.
Genome position (GRCh38, 1-based): chr22:17,109,690, C>T. VCF-style: chr22-17109690-C-T. GRCh37 (hg19) VCF-style: chr22-17590580-C-T.
Other names: c.2369C>T, p.Pro790Leu (NM_001289905.2); short protein forms P824L, P790L.
Identifiers: ClinVar variation 1365357 (VCV001365357.6), dbSNP rs749236026, ClinGen allele CA10086998.

ClinVar aggregate classification (germline): Uncertain significance (1 of 4 stars; one submission).

Conditions:
Immunodeficiency 51 (IMD51). Also called: CANDIDIASIS, FAMILIAL, 5. Identifiers: Orphanet 1334, MedGen C4310803, MONDO:0013500, OMIM 613953.

Allele frequency attached by ClinVar (database versions not stated): gnomAD 0.00001.
gnomAD v4.1: 24 of 1,577,930 alleles (0.0015%); highest among the groups gnomAD compares: Middle Eastern, 0.12%; no homozygotes.

Submission:

Labcorp Genetics (formerly Invitae), Labcorp
Classification: Uncertain significance for Immunodeficiency 51. Last evaluated: 2022-07-16. Review status: criteria provided, single submitter. Criteria: Invitae Variant Classification Sherloc (09022015). Collection method: clinical testing. Allele origin: germline.
Comment: In summary, the available evidence is currently insufficient to determine the role of this variant in disease. Therefore, it has been classified as a Variant of Uncertain Significance. Algorithms developed to predict the effect of missense changes on protein structure and function output the following: SIFT: "Tolerated"; PolyPhen-2: "Benign"; Align-GVGD: "Class C0". The leucine amino acid residue is found in multiple mammalian species, which suggests that this missense change does not adversely affect protein function. ClinVar contains an entry for this variant (Variation ID: 1365357). This variant has not been reported in the literature in individuals affected with IL17RA-related conditions. The frequency data for this variant in the population databases is considered unreliable, as metrics indicate poor data quality at this position in the gnomAD database. This sequence change replaces proline, which is neutral and non-polar, with leucine, which is neutral and non-polar, at codon 824 of the IL17RA protein (p.Pro824Leu).